The following is an entry in ClinVar:

NM_001127222.2(CACNA1A):c.857A>G (p.Lys286Arg)

Gene: CACNA1A (calcium voltage-gated channel subunit alpha1 A; minus strand). Cytogenetic location: 19p13.13.
Variant type: single nucleotide variant.
Coding change: c.857A>G on transcript NM_001127222.2 (MANE Select); coding-DNA position 857, A replaced by G.
Protein change: p.Lys286Arg; replaces lysine 286 with arginine.
Molecular consequence: missense variant.
Genome position (GRCh38, 1-based): chr19:13,359,727, T>C on the plus strand (A>G on the coding strand, the complement: CACNA1A is on the minus strand). VCF-style: chr19-13359727-T-C. GRCh37 (hg19) VCF-style: chr19-13470541-T-C.
Other names: c.857A>G, p.Lys286Arg (NM_000068.4, NM_001127221.2, NM_001174080.2 and 1 more transcripts); short protein forms K286R.
Identifiers: ClinVar variation 4879842 (VCV004879842.1).
Genomic context (GRCh38, chr19:13,359,727, plus strand): 5'-AACAGGATGTTGTCGAACTGAGTGATCCCGTTGTTGGGCCCTTCCCAGTAGGGCTGACAT[T>C]TGGTCCCATTGGGGCAGGTGCGGGCGGGCTCTTCTGTCCCACATGGAGCCGGAGACTCAC-3'
Protein context (NP_001120694.1, residues 276-296): EPARTCPNGT[Lys286Arg]CQPYWEGPNN

ClinVar aggregate classification (germline): Uncertain significance (1 of 4 stars; one submission).

Conditions:
Developmental and epileptic encephalopathy, 42 (DEE42A). Also called: Epileptic encephalopathy, early infantile, 42; DEVELOPMENTAL AND EPILEPTIC ENCEPHALOPATHY 42A; EPILEPTIC ENCEPHALOPATHY, EARLY INFANTILE, 42A. Identifiers: MedGen C4310716, MONDO:0014917, OMIM 617106.

gnomAD v4.1: 23 of 1,579,876 alleles (0.0015%); highest among the groups gnomAD compares: Non-Finnish European, 0.002%; no homozygotes.

Submission:

MVZ Medizinische Genetik Mainz
Classification: Uncertain significance for Developmental and epileptic encephalopathy, 42. Last evaluated: 2026-06-17. Review status: criteria provided, single submitter. Criteria: UK Practice Guidelines For Variant Classification V4 01 2020. Collection method: clinical testing. Allele origin: germline. Inheritance: Autosomal dominant inheritance. Affected: yes. Observed: 1 variant allele.
Comment: ACMG Criteria: PM1_SUP,PM2_SUP,PP2